The following is an entry in ClinVar:

NM_001267550.2(TTN):c.103899_103903dup (p.Ala34635fs)

Genes: TTN (titin; minus strand), TTN-AS1 (TTN antisense RNA 1; plus strand). Cytogenetic location: 2q31.2.
Variant type: Duplication.
Coding change: c.103899_103903dup on transcript NM_001267550.2 (MANE Select); coding-DNA positions 103899 to 103903, 5 bases duplicated (ACCAG; older notation c.103899_103903dupACCAG).
Protein change: p.Ala34635fs; shifts the reading frame from alanine 34635.
Molecular consequence: frameshift variant.
Genome position (GRCh38, 1-based): chr2:178,532,712-178,532,716, CTGGT duplicated on the plus strand (ACCAG on the coding strand, the reverse complement: TTN is on the minus strand); duplicating any 5 consecutive bases within chr2:178,532,712-178,532,718 gives the same sequence; the c. name uses the placement nearest the transcript's 3' end. VCF-style (leftmost placement, unchanged base first): chr2-178532711-G-GCTGGT. GRCh37 (hg19) VCF-style: chr2-179397438-G-GCTGGT.
Other names: c.103899_103903dupACCAG (NM_001267550.1); c.98976_98980dup, p.Ala32994fs (NM_001256850.1); c.76704_76708dup, p.Ala25570fs (NM_003319.4); c.96195_96199dup, p.Ala32067fs (NM_133378.4); c.77079_77083dup, p.Ala25695fs (NM_133432.3); c.77280_77284dup, p.Ala25762fs (NM_133437.4); short protein forms A25570fs, A25695fs, A25762fs, A32067fs, A32994fs, A34635fs.
Identifiers: ClinVar variation 3377481 (VCV003377481.1).

ClinVar aggregate classification (germline): Likely pathogenic (1 of 4 stars; one submission).

Conditions:
Dilated cardiomyopathy 1G (CMD1G). Identifiers: Orphanet 154, MedGen C1858763, MONDO:0011400, OMIM 604145.

Submission:

Victorian Clinical Genetics Services, Murdoch Childrens Research Institute
Classification: Likely pathogenic for Dilated cardiomyopathy 1G. Last evaluated: 2023-12-21. Review status: criteria provided, single submitter. Criteria: ACMG Guidelines, 2015. Collection method: clinical testing. Allele origin: germline. Inheritance: Autosomal dominant inheritance.
Comment: Based on the classification scheme VCGS_Germline_v1.3.4, this variant is classified as Likely pathogenic. Following criteria are met: 0102 - Loss of function is known mechanism of disease in this gene. In addition, dominant-negative is also a suggested mechanism (PMID: 25589632). (I) 0108 - This gene is associated with both recessive and dominant disease (OMIM). (I) 0112 - The condition associated with this gene has incomplete penetrance. Variants in this gene that result in a premature truncating codon (PTC) are known to have reduced penetrance in DCM (PMID: 25589632). (I) 0201 - Variant is predicted to cause nonsense-mediated decay (NMD) and loss of protein (premature termination codon is located at least 54 nucleotides upstream of the final exon-exon junction). (SP) 0251 - This variant is heterozygous. (I) 0301 - Variant is absent from gnomAD (both v2 and v3). (SP) 0600 - Variant is located in the annotated C-terminal M-band and the exon has a PSI score of 100 (PMID: 25589632). (I) 0702 - Other NMD-predicted variants comparable to the one identified in this case have strong previous evidence for pathogenicity (ClinVar). (SP) 0807 - This variant has no previous evidence of pathogenicity. (I) 0905 - No published segregation evidence has been identified for this variant. (I) 1007 - No published functional evidence has been identified for this variant. (I) 1208 - Inheritance information for this variant is not currently available in this individual. (I) Legend: (SP) - Supporting pathogenic, (I) - Information, (SB) - Supporting benign

Literature cited by the submitters: PubMed 25589632.